The following is an entry in ClinVar:

ClinVar aggregate classification (germline): Uncertain significance (1 of 4 stars; one submission).

Conditions:
Distal myopathy with posterior leg and anterior hand involvement. Also called: WILLIAMS DISTAL MYOPATHY. Identifiers: Orphanet 63273, MedGen C3279722, MONDO:0013550, OMIM 614065.
Hypertrophic cardiomyopathy 26. Also called: Cardiomyopathy, familial hypertrophic, 26. Identifiers: Orphanet 75249, MedGen C4310749, MONDO:0014883, OMIM 617047.
Myofibrillar myopathy 5. Also called: Filaminopathy (type); FILAMINOPATHY, AUTOSOMAL DOMINANT. Identifiers: Orphanet 171445, MedGen C1836050, MONDO:0012289, OMIM 609524.

Submission:

Labcorp Genetics (formerly Invitae), Labcorp
Classification: Uncertain significance for Distal myopathy with posterior leg and anterior hand involvement; Myofibrillar myopathy 5; Hypertrophic cardiomyopathy 26. Last evaluated: 2024-12-30. Review status: criteria provided, single submitter. Criteria: Invitae Variant Classification Sherloc (09022015). Collection method: clinical testing. Allele origin: germline.
Comment: This sequence change replaces isoleucine, which is neutral and non-polar, with phenylalanine, which is neutral and non-polar, at codon 719 of the FLNC protein (p.Ile719Phe). This variant is not present in population databases (gnomAD no frequency). This variant has not been reported in the literature in individuals affected with FLNC-related conditions. ClinVar contains an entry for this variant (Variation ID: 1006821). An algorithm developed to predict the effect of missense changes on protein structure and function outputs the following: PolyPhen-2: "Benign". The phenylalanine amino acid residue is found in multiple mammalian species, which suggests that this missense change does not adversely affect protein function. In summary, the available evidence is currently insufficient to determine the role of this variant in disease. Therefore, it has been classified as a Variant of Uncertain Significance.

NM_001458.5(FLNC):c.2155A>T (p.Ile719Phe)

Gene: FLNC (filamin C; plus strand). Cytogenetic location: 7q32.1.
Variant type: single nucleotide variant.
Coding change: c.2155A>T on transcript NM_001458.5 (MANE Select); coding-DNA position 2155, A replaced by T.
Protein change: p.Ile719Phe; replaces isoleucine 719 with phenylalanine.
Molecular consequence: missense variant.
Genome position (GRCh38, 1-based): chr7:128,842,264, A>T. VCF-style: chr7-128842264-A-T. GRCh37 (hg19) VCF-style: chr7-128482318-A-T.
Other names: c.2155A>T, p.Ile719Phe (NM_001127487.2); short protein forms I719F.
Identifiers: ClinVar variation 1006821 (VCV001006821.10), dbSNP rs1808363999, ClinGen allele CA369228771.